The following is an entry in ClinVar:

NM_018109.4(MTPAP):c.556-6A>G

Gene: MTPAP (mitochondrial poly(A) polymerase; minus strand). Cytogenetic location: 10p11.23.
Variant type: single nucleotide variant.
Coding change: c.556-6A>G on transcript NM_018109.4 (MANE Select); 6 bases into the intron before coding-DNA position 556, A replaced by G.
Molecular consequence: intron variant.
Genome position (GRCh38, 1-based): chr10:30,337,033, T>C on the plus strand (A>G on the coding strand, the complement: MTPAP is on the minus strand). VCF-style: chr10-30337033-T-C. GRCh37 (hg19) VCF-style: chr10-30625962-T-C.
Identifiers: ClinVar variation 2111886 (VCV002111886.4), dbSNP rs2538463801, ClinGen allele CA2580081445.

ClinVar aggregate classification (germline): Uncertain significance (1 of 4 stars; one submission).

Submission:

Labcorp Genetics (formerly Invitae), Labcorp
Classification: Uncertain significance. Last evaluated: 2022-08-31. Review status: criteria provided, single submitter. Criteria: Invitae Variant Classification Sherloc (09022015). Collection method: clinical testing. Allele origin: germline.
Comment: In summary, the available evidence is currently insufficient to determine the role of this variant in disease. Therefore, it has been classified as a Variant of Uncertain Significance. Algorithms developed to predict the effect of sequence changes on RNA splicing suggest that this variant may disrupt the consensus splice site. This variant has not been reported in the literature in individuals affected with MTPAP-related conditions. This variant is not present in population databases (gnomAD no frequency). This sequence change falls in intron 3 of the MTPAP gene. It does not directly change the encoded amino acid sequence of the MTPAP protein.